The following is an entry in ClinVar:

ClinVar aggregate classification (germline): Uncertain significance (1 of 4 stars; one submission).

Conditions:
Angelman syndrome (AS). Also called: HAPPY PUPPET SYNDROME. Identifiers: Orphanet 72, MedGen C0162635, MONDO:0007113, OMIM 105830. Disease mechanism: loss of function. Inheritance: AS is caused by disruption of maternally imprinted UBE3A located within the 15q11.2-q13 Angelman syndrome/Prader-Willi syndrome (AS/PWS) region., imprinting disorder.

gnomAD v4.1: 1 of 1,614,006 alleles (0.000062%); highest among the groups gnomAD compares: African/African-American, 0.0013%; no homozygotes.

Submission:

Labcorp Genetics (formerly Invitae), Labcorp
Classification: Uncertain significance for Angelman syndrome. Last evaluated: 2024-03-26. Review status: criteria provided, single submitter. Criteria: Invitae Variant Classification Sherloc (09022015). Collection method: clinical testing. Allele origin: germline.
Comment: This sequence change replaces aspartic acid, which is acidic and polar, with valine, which is neutral and non-polar, at codon 374 of the UBE3A protein (p.Asp374Val). This variant is not present in population databases (gnomAD no frequency). This variant has not been reported in the literature in individuals affected with UBE3A-related conditions. Advanced modeling of protein sequence and biophysical properties (such as structural, functional, and spatial information, amino acid conservation, physicochemical variation, residue mobility, and thermodynamic stability) performed at Invitae indicates that this missense variant is expected to disrupt UBE3A protein function with a positive predictive value of 95%. In summary, the available evidence is currently insufficient to determine the role of this variant in disease. Therefore, it has been classified as a Variant of Uncertain Significance.

NM_130839.5(UBE3A):c.1181A>T (p.Asp394Val)

Genes: SNHG14 (small nucleolar RNA host gene 14; plus strand), UBE3A (ubiquitin protein ligase E3A; minus strand). Cytogenetic location: 15q11.2.
Variant type: single nucleotide variant.
Coding change: c.1181A>T on transcript NM_130839.5 (MANE Select); coding-DNA position 1181, A replaced by T.
Protein change: p.Asp394Val; replaces aspartic acid 394 with valine.
Molecular consequence: missense variant. On other transcripts: non-coding transcript variant (1), intron variant (2).
Genome position (GRCh38, 1-based): chr15:25,370,993, T>A on the plus strand (A>T on the coding strand, the complement: UBE3A is on the minus strand). VCF-style: chr15-25370993-T-A. GRCh37 (hg19) VCF-style: chr15-25616140-T-A.
Other names: c.1121A>T, p.Asp374Val (NM_130838.4, NM_001354506.2, NM_001354507.2 and 17 more transcripts); c.301+4472A>T (NM_001354551.2); c.361+4472A>T (NM_001354550.2); c.1190A>T, p.Asp397Val (NM_000462.5); c.1181A>T, p.Asp394Val (NM_001354505.1, NM_001354538.2, NM_001354545.2); c.1004A>T, p.Asp335Val (NM_001354546.2); short protein forms D335V, D374V, D394V, D397V.
Identifiers: ClinVar variation 3636584 (VCV003636584.2).